The following is an entry in ClinVar:

ClinVar aggregate classification (germline): Uncertain significance (1 of 4 stars; one submission).

Conditions:
Jeune thoracic dystrophy. Also called: Jeune syndrome; Infantile thoracic dystrophy; Thoracic pelvic phalangeal dystrophy; Jeune's syndrome; Chondroectodermal dysplasia-like syndrome; Short-rib thoracic dysplasia. Identifiers: Orphanet 474, MedGen C0265275, MONDO:0018770.

Submission:

Labcorp Genetics (formerly Invitae), Labcorp
Classification: Uncertain significance for Jeune thoracic dystrophy. Last evaluated: 2017-04-30. Review status: criteria provided, single submitter. Criteria: Invitae Variant Classification Sherloc (09022015). Collection method: clinical testing. Allele origin: germline.
Comment: In summary, this variant is a novel missense change with uncertain impact on protein function. It has been classified as a Variant of Uncertain Significance. Algorithms developed to predict the effect of missense changes on protein structure and function do not agree on the potential impact of this missense change (SIFT: "Deleterious"; PolyPhen-2: "Benign"; Align-GVGD: "Class C0"). This variant is not present in population databases (ExAC no frequency) and has not been reported in the literature in individuals with an IFT80-related disease. This sequence change replaces valine with isoleucine at codon 376 of the IFT80 protein (p.Val376Ile). The valine residue is highly conserved and there is a small physicochemical difference between valine and isoleucine.

NM_020800.3(IFT80):c.1126G>A (p.Val376Ile)

Genes: TRIM59-IFT80 (TRIM59-IFT80 readthrough (NMD candidate); minus strand), IFT80 (intraflagellar transport 80; minus strand). Cytogenetic location: 3q25.33.
Variant type: single nucleotide variant.
Coding change: c.1126G>A on transcript NM_020800.3 (MANE Select); coding-DNA position 1126, G replaced by A.
Protein change: p.Val376Ile; replaces valine 376 with isoleucine.
Molecular consequence: missense variant. On other transcripts: non-coding transcript variant (3).
Genome position (GRCh38, 1-based): chr3:160,303,940, C>T on the plus strand (G>A on the coding strand, the complement: IFT80 is on the minus strand). VCF-style: chr3-160303940-C-T. GRCh37 (hg19) VCF-style: chr3-160021728-C-T.
Other names: c.715G>A, p.Val239Ile (NM_001190241.2, NM_001190242.2); short protein forms V376I, V239I.
Identifiers: ClinVar variation 459283 (VCV000459283.8), dbSNP rs753617262, ClinGen allele CA355193904.
Genomic context (GRCh38, chr3:160,303,940, plus strand): 5'-AACCCCAGATCCAGTAGTTAAACATAATAAATTACCTTTCTGCCTGCAGAATCAAACTAA[C>T]AGTTCCTTCTTTGAGATCAAATATAATTGGTGTGTTCCAGTTCTTCGTGCTAAAAGACAA-3'
Protein context (NP_065851.1, residues 366-386): PIIFDLKEGT[Val376Ile]SLILQAERHF